The following is an entry in ClinVar:

ClinVar aggregate classification (germline): Conflicting classifications of pathogenicity. Review status: criteria provided, conflicting classifications (1 of 4 stars). 3 submissions from 3 submitters: Likely pathogenic (2); Uncertain significance (1). Last evaluated 2024-05-30.

Conditions:
Neonatal intrahepatic cholestasis due to citrin deficiency (CDNI). Also called: Neonatal-onset citrullinemia type II; Neonatal-onset citrullinemia type 2; Neonatal Intrahepatic Cholestasis Caused by Citrin Deficiency (NICCD); CITRIN DEFICIENCY, NEONATAL OR INFANTILE ONSET. Identifiers: Orphanet 247598, MedGen C1853942, MONDO:0011601, OMIM 605814.
Citrullinemia, type II, adult-onset (CDAA). Also called: CITRIN DEFICIENCY, ADOLESCENT OR ADULT ONSET. Identifiers: Orphanet 247585, MedGen CN295299, MONDO:0011326, OMIM 603471.

gnomAD v4.1: 3 of 1,613,956 alleles (0.00019%); highest among the groups gnomAD compares: South Asian, 0.0011%; no homozygotes.

Submissions (3):

Fulgent Genetics
Classification: Likely pathogenic for Citrullinemia, type II, adult-onset; Neonatal intrahepatic cholestasis due to citrin deficiency. Last evaluated: 2024-05-30. Review status: criteria provided, single submitter. Criteria: ACMG Guidelines, 2015. Collection method: clinical testing. Allele origin: germline.

Women's Health and Genetics/Laboratory Corporation of America, LabCorp
Classification: Uncertain significance. Last evaluated: 2024-05-29. Review status: criteria provided, single submitter. Criteria: LabCorp Variant Classification Summary - May 2015. Collection method: clinical testing. Allele origin: germline.
Comment: Variant summary: SLC25A13 c.1364G>T (p.Arg455Leu) results in a non-conservative amino acid change in the encoded protein sequence. Five of five in-silico tools predict a damaging effect of the variant on protein function. The variant allele was found at a frequency of 4e-06 in 251482 control chromosomes (gnomAD). c.1364G>T has been reported in the literature in individuals affected with features of Citrullinemia Type II (Song_2013, Wang_2020). These data indicate that the variant may be associated with disease. To our knowledge, no experimental evidence demonstrating an impact on protein function has been reported. The following publications have been ascertained in the context of this evaluation (PMID: 24069319, 31450232). ClinVar contains an entry for this variant (Variation ID: 2678840). Based on the evidence outlined above, the variant was classified as VUS-possibly pathogenic.

Baylor Genetics
Classification: Likely pathogenic for Citrullinemia, type II, adult-onset. Last evaluated: 2022-07-14. Review status: criteria provided, single submitter. Criteria: ACMG Guidelines, 2015. Collection method: clinical testing. Allele origin: unknown.

Literature cited by the submitters: PubMed 31450232 (cited by Women's Health and Genetics/Laboratory Corporation of America, LabCorp); PubMed 24069319 (cited by Women's Health and Genetics/Laboratory Corporation of America, LabCorp).

NM_014251.3(SLC25A13):c.1364G>T (p.Arg455Leu)

Gene: SLC25A13 (solute carrier family 25 member 13; minus strand). Cytogenetic location: 7q21.3.
Variant type: single nucleotide variant.
Coding change: c.1364G>T on transcript NM_014251.3 (MANE Select); coding-DNA position 1364, G replaced by T.
Protein change: p.Arg455Leu; replaces arginine 455 with leucine.
Molecular consequence: missense variant. On other transcripts: non-coding transcript variant (1).
Genome position (GRCh38, 1-based): chr7:96,146,644, C>A on the plus strand (G>T on the coding strand, the complement: SLC25A13 is on the minus strand). VCF-style: chr7-96146644-C-A. GRCh37 (hg19) VCF-style: chr7-95775956-C-A.
Other names: c.1367G>T, p.Arg456Leu (NM_001160210.2); short protein forms R455L, R456L.
Identifiers: ClinVar variation 2678840 (VCV002678840.3), dbSNP rs764693182, ClinGen allele CA368256080.